The following is an entry in ClinVar:

NM_152906.7(TANGO2):c.711-11C>G

Gene: TANGO2 (transport and golgi organization 2 homolog; plus strand). Cytogenetic location: 22q11.21.
Variant type: single nucleotide variant.
Coding change: c.711-11C>G on transcript NM_152906.7 (MANE Select); 11 bases into the intron before coding-DNA position 711, C replaced by G.
Molecular consequence: intron variant.
Genome position (GRCh38, 1-based): chr22:20,064,531, C>G. VCF-style: chr22-20064531-C-G. GRCh37 (hg19) VCF-style: chr22-20052054-C-G.
Other names: c.711-11C>G (NM_001283106.3, NM_001283116.3); c.525-11C>G (NM_001322163.2, NM_001283179.3, NM_001322167.2 and 2 more transcripts); c.417-11C>G (NM_001322174.2, NM_001322172.2, NM_001322175.2 and 3 more transcripts); c.607-11C>G (NM_001322160.2); c.834-11C>G (NM_001322143.2, NM_001283129.3); c.648-11C>G (NM_001322145.2, NM_001322147.2); c.765-11C>G (NM_001322146.2); c.709-11C>G (NM_001283154.3, NM_001283148.3); and 9 more.
Identifiers: ClinVar variation 1604638 (VCV001604638.11), dbSNP rs201850506, ClinGen allele CA10106554.

ClinVar aggregate classification (germline): Likely benign. Review status: criteria provided, multiple submitters, no conflicts (2 of 4 stars). 3 submissions from 3 submitters: Likely benign (3). Last evaluated 2025-07-15.

Allele frequency attached by ClinVar (database versions not stated): gnomAD 0.00001 and 0.00004; ExAC 0.00015; gnomAD exomes 0.00015; 1000 Genomes Project 30x 0.00016; 1000 Genomes Project 0.00020.

Submissions (3):

Labcorp Genetics (formerly Invitae), Labcorp
Classification: Likely benign. Last evaluated: 2025-07-15. Review status: criteria provided, single submitter. Criteria: Invitae Variant Classification Sherloc (09022015). Collection method: clinical testing. Allele origin: germline.

Women's Health and Genetics/Laboratory Corporation of America, LabCorp
Classification: Likely benign. Last evaluated: 2025-01-09. Review status: criteria provided, single submitter. Criteria: LabCorp Variant Classification Summary - May 2015. Collection method: clinical testing. Allele origin: germline.
Comment: Variant summary: TANGO2 c.711-11C>G alters a nucleotide located at a position not widely known to affect splicing. Consensus agreement among computation tools predict no significant impact on normal splicing (TrAP). However, these predictions have yet to be confirmed by functional studies. The variant allele was found at a frequency of 0.00015 in 250732 control chromosomes, predominantly at a frequency of 0.002 within the East Asian subpopulation in the gnomAD database. This frequency is not significantly higher than estimated for a pathogenic variant in TANGO2 causing Recurrent Metabolic Encephalomyopathic Crises-Rhabdomyolysis Arrhythmia-Intellectual Disability Syndrome, allowing no conclusion about variant significance. To our knowledge, no occurrence of c.711-11C>G in individuals affected with Recurrent Metabolic Encephalomyopathic Crises-Rhabdomyolysis Arrhythmia-Intellectual Disability Syndrome and no experimental evidence demonstrating its impact on protein function have been reported. ClinVar contains an entry for this variant (Variation ID: 1604638). Based on the evidence outlined above, the variant was classified as likely benign.

Blueprint Genetics
Classification: Likely benign. Last evaluated: 2024-10-28. Review status: criteria provided, single submitter. Criteria: ACMG Guidelines, 2015. Collection method: clinical testing. Allele origin: germline.